The following is an entry in ClinVar:

ClinVar aggregate classification (germline): Uncertain significance (1 of 4 stars; one submission).

Conditions:
Cardiovascular phenotype. Identifiers: MedGen CN230736.

Allele frequency attached by ClinVar (database versions not stated): gnomAD exomes below 0.00001.
gnomAD v4.1: 1 of 1,591,382 alleles (0.000063%); highest among the groups gnomAD compares: South Asian, 0.0011%; no homozygotes.

Submission:

Ambry Genetics
Classification: Uncertain significance for Cardiovascular phenotype. Last evaluated: 2020-10-05. Review status: criteria provided, single submitter. Criteria: Ambry Variant Classification Scheme 2023. Collection method: clinical testing. Allele origin: germline.
Comment: The c.49+3A>G intronic variant results from an A to G substitution 3 nucleotides after coding exon 1 in the CACNA1C gene. This nucleotide position is highly conserved in available vertebrate species. In silico splice site analysis predicts that this alteration will not have any significant effect on splicing. Since supporting evidence is limited at this time, the clinical significance of this alteration remains unclear.

NM_000719.7(CACNA1C):c.49+3A>G

Gene: CACNA1C (calcium voltage-gated channel subunit alpha1 C; plus strand). Cytogenetic location: 12p13.33.
Variant type: single nucleotide variant.
Coding change: c.49+3A>G on transcript NM_000719.7 (MANE Select); 3 bases into the intron after coding-DNA position 49, A replaced by G.
Molecular consequence: intron variant.
Genome position (GRCh38, 1-based): chr12:2,053,614, A>G. VCF-style: chr12-2053614-A-G. GRCh37 (hg19) VCF-style: chr12-2162780-A-G.
Other names: c.49+3A>G (NM_001167624.3, NM_001167623.2, NM_001167625.2 and 19 more transcripts).
Identifiers: ClinVar variation 1743983 (VCV001743983.2), dbSNP rs2543381300, ClinGen allele CA2580085103.